The following is an entry in ClinVar:

ClinVar aggregate classification (germline): Uncertain significance (1 of 4 stars; one submission).

Conditions:
DYRK1A-related intellectual disability syndrome (MRD7). Also called: DYRK1A Syndrome; Intellectual developmental disorder, autosomal dominant 7. Identifiers: Orphanet 464306, MedGen C5568143, MONDO:0013578, OMIM 614104.

gnomAD v4.1: 3 of 1,610,476 alleles (0.00019%); highest among the groups gnomAD compares: Non-Finnish European, 0.00025%; no homozygotes.

Submission:

Labcorp Genetics (formerly Invitae), Labcorp
Classification: Uncertain significance for DYRK1A-related intellectual disability syndrome. Last evaluated: 2024-04-25. Review status: criteria provided, single submitter. Criteria: Invitae Variant Classification Sherloc (09022015). Collection method: clinical testing. Allele origin: germline.
Comment: This sequence change replaces glutamine, which is neutral and polar, with proline, which is neutral and non-polar, at codon 45 of the DYRK1A protein (p.Gln45Pro). This variant is not present in population databases (gnomAD no frequency). This variant has not been reported in the literature in individuals affected with DYRK1A-related conditions. Advanced modeling of protein sequence and biophysical properties (such as structural, functional, and spatial information, amino acid conservation, physicochemical variation, residue mobility, and thermodynamic stability) performed at Invitae indicates that this missense variant is not expected to disrupt DYRK1A protein function with a negative predictive value of 95%. In summary, the available evidence is currently insufficient to determine the role of this variant in disease. Therefore, it has been classified as a Variant of Uncertain Significance.

NM_001347721.2(DYRK1A):c.134A>C (p.Gln45Pro)

Gene: DYRK1A (dual specificity tyrosine phosphorylation regulated kinase 1A; plus strand). Cytogenetic location: 21q22.13.
Variant type: single nucleotide variant.
Coding change: c.134A>C on transcript NM_001347721.2 (MANE Select); coding-DNA position 134, A replaced by C.
Protein change: p.Gln45Pro; replaces glutamine 45 with proline.
Molecular consequence: missense variant.
Genome position (GRCh38, 1-based): chr21:37,472,807, A>C. VCF-style: chr21-37472807-A-C. GRCh37 (hg19) VCF-style: chr21-38845109-A-C.
Other names: c.134A>C, p.Gln45Pro (NM_130436.2, NM_130438.2, NM_001347722.2 and 2 more transcripts); c.47A>C, p.Gln16Pro (NM_001347723.2); short protein forms Q45P, Q16P.
Identifiers: ClinVar variation 3707533 (VCV003707533.2).